The following is an entry in ClinVar:

ClinVar aggregate classification (germline): Uncertain significance (1 of 4 stars; one submission).

Allele frequency attached by ClinVar (database versions not stated): gnomAD exomes below 0.00001.
gnomAD v4.1: 2 of 1,612,756 alleles (0.00012%); highest among the groups gnomAD compares: Non-Finnish European, 0.00017%; no homozygotes.

Submission:

Labcorp Genetics (formerly Invitae), Labcorp
Classification: Uncertain significance. Last evaluated: 2022-02-04. Review status: criteria provided, single submitter. Criteria: Invitae Variant Classification Sherloc (09022015). Collection method: clinical testing. Allele origin: germline.
Comment: This variant has not been reported in the literature in individuals affected with COL11A1-related conditions. Advanced modeling of protein sequence and biophysical properties (such as structural, functional, and spatial information, amino acid conservation, physicochemical variation, residue mobility, and thermodynamic stability) performed at Invitae indicates that this missense variant is not expected to disrupt COL11A1 protein function. In summary, the available evidence is currently insufficient to determine the role of this variant in disease. Therefore, it has been classified as a Variant of Uncertain Significance. This variant is not present in population databases (gnomAD no frequency). This sequence change replaces valine, which is neutral and non-polar, with isoleucine, which is neutral and non-polar, at codon 801 of the COL11A1 protein (p.Val801Ile).

NM_001854.4(COL11A1):c.2401G>A (p.Val801Ile)

Gene: COL11A1 (collagen type XI alpha 1 chain; minus strand). Cytogenetic location: 1p21.1.
Variant type: single nucleotide variant.
Coding change: c.2401G>A on transcript NM_001854.4 (MANE Select); coding-DNA position 2401, G replaced by A.
Protein change: p.Val801Ile; replaces valine 801 with isoleucine.
Molecular consequence: missense variant. On other transcripts: non-coding transcript variant (1).
Genome position (GRCh38, 1-based): chr1:102,987,734, C>T on the plus strand (G>A on the coding strand, the complement: COL11A1 is on the minus strand). VCF-style: chr1-102987734-C-T. GRCh37 (hg19) VCF-style: chr1-103453290-C-T.
Other names: c.2284G>A, p.Val762Ile (NM_001190709.2); c.2437G>A, p.Val813Ile (NM_080629.3); c.2053G>A, p.Val685Ile (NM_080630.4); short protein forms V801I, V813I, V762I, V685I.
Identifiers: ClinVar variation 1361452 (VCV001361452.9), dbSNP rs2101738781, ClinGen allele CA341166244.